The following is an entry in ClinVar:

NM_000283.4(PDE6B):c.428C>A (p.Ala143Asp)

Gene: PDE6B (phosphodiesterase 6B; plus strand). Cytogenetic location: 4p16.3.
Variant type: single nucleotide variant.
Coding change: c.428C>A on transcript NM_000283.4 (MANE Select); coding-DNA position 428, C replaced by A.
Protein change: p.Ala143Asp; replaces alanine 143 with aspartic acid.
Molecular consequence: missense variant.
Genome position (GRCh38, 1-based): chr4:626,054, C>A. VCF-style: chr4-626054-C-A. GRCh37 (hg19) VCF-style: chr4-619843-C-A.
Other names: c.428C>A, p.Ala143Asp (NM_001145291.2); short protein forms A143D.
Identifiers: ClinVar variation 812370 (VCV000812370.8), dbSNP rs759382635, ClinGen allele CA355907184.
Genomic context (GRCh38, chr4:626,054, plus strand): 5'-TGGTGCCCCCCGACTCCGAGATCGTCTTCCCACTGGACATCGGGGTCGTGGGCCACGTGG[C>A]TCAGACCAAAAAGATGGTGAACGTCGAGGACGTGGCCGAGGTGGGTCTGTGCGGAGCCTC-3'
Protein context (NP_000274.3, residues 133-153): PLDIGVVGHV[Ala143Asp]QTKKMVNVED

ClinVar aggregate classification (germline): Uncertain significance. Review status: criteria provided, single submitter (1 of 4 stars). 2 submissions from 2 submitters: Uncertain significance (1). 1 of the submissions does not count toward it. Last evaluated 2024-03-26.

Conditions:
Retinitis pigmentosa (RP). Identifiers: Orphanet 791, MedGen C0035334, MeSH D012174, MONDO:0019200, OMIM 268000. Inheritance: Autosomal dominant, autosomal recessive and X linked inheritance.

Submissions (2):

Labcorp Genetics (formerly Invitae), Labcorp
Classification: Uncertain significance. Last evaluated: 2024-03-26. Review status: criteria provided, single submitter. Criteria: Invitae Variant Classification Sherloc (09022015). Collection method: clinical testing. Allele origin: germline.
Comment: This sequence change replaces alanine, which is neutral and non-polar, with aspartic acid, which is acidic and polar, at codon 143 of the PDE6B protein (p.Ala143Asp). This variant is not present in population databases (gnomAD no frequency). This missense change has been observed in individual(s) with retinitis pigmentosa (PMID: 31456290). ClinVar contains an entry for this variant (Variation ID: 812370). Advanced modeling of protein sequence and biophysical properties (such as structural, functional, and spatial information, amino acid conservation, physicochemical variation, residue mobility, and thermodynamic stability) performed at Invitae indicates that this missense variant is expected to disrupt PDE6B protein function with a positive predictive value of 95%. In summary, the available evidence is currently insufficient to determine the role of this variant in disease. Therefore, it has been classified as a Variant of Uncertain Significance.

Sharon lab, Hadassah-Hebrew University Medical Center
Classification: Pathogenic for Retinitis pigmentosa. Last evaluated: 2019-06-23. Review status: no assertion criteria provided. Collection method: research. Allele origin: inherited. Affected: yes. Not counted in ClinVar's aggregate classification.

Literature cited by the submitters: PubMed 31456290 (cited by Labcorp Genetics (formerly Invitae), Labcorp).